The following is an entry in ClinVar:

ClinVar aggregate classification (germline): Likely benign (1 of 4 stars; one submission).

gnomAD v4.1: 425 of 1,466,710 alleles (0.029%); highest among the groups gnomAD compares: African/African-American, 0.56%; 1 homozygote.

Submission:

CeGaT Center for Human Genetics Tuebingen
Classification: Likely benign. Last evaluated: 2025-06-01. Review status: criteria provided, single submitter. Criteria: CeGaT Center For Human Genetics Tuebingen Variant Classification Criteria Version 2. Collection method: clinical testing. Allele origin: germline. Affected: yes. Observed: 1 variant allele.
Comment: MED13: BP4, BS1

NM_005121.3(MED13):c.1946A>G (p.Glu649Gly)

Gene: MED13 (mediator complex subunit 13; minus strand). Cytogenetic location: 17q23.2.
Variant type: single nucleotide variant.
Coding change: c.1946A>G on transcript NM_005121.3 (MANE Select); coding-DNA position 1946, A replaced by G.
Protein change: p.Glu649Gly; replaces glutamic acid 649 with glycine.
Molecular consequence: missense variant.
Genome position (GRCh38, 1-based): chr17:62,010,571, T>C on the plus strand (A>G on the coding strand, the complement: MED13 is on the minus strand). VCF-style: chr17-62010571-T-C. GRCh37 (hg19) VCF-style: chr17-60087932-T-C.
Other names: short protein forms E649G.
Identifiers: ClinVar variation 4084131 (VCV004084131.8).